The following is an entry in ClinVar:

ClinVar aggregate classification (germline): Uncertain significance (1 of 4 stars; one submission).

Submission:

Women's Health and Genetics/Laboratory Corporation of America, LabCorp
Classification: Uncertain significance. Last evaluated: 2023-06-12. Review status: criteria provided, single submitter. Criteria: LabCorp Variant Classification Summary - May 2015. Collection method: clinical testing. Allele origin: germline.
Comment: Variant summary: TCEAL1 c.84dupT (p.Pro29SerfsX23) results in a premature termination codon located in exon 3, in the only coding exon of the gene, and therefore is not expected to cause nonsense mediated decay (NMD), but is predicted to cause a truncation of the encoded protein. The first potential downstream in-frame start codon (ATG) is located at Met61, which is not a known initiation codon in any alternative transcripts. A truncation has been reported upstream of Met61 in an affected individual (i.e. c.169delC (p.Leu57Serfs*36), reported as de novo; PMID 36368327). On the other hand, a potential upstream start codon (5' of Pro29) could also be found, which can result in an N-terminally truncated protein product if utilized, however, to our knowledge, no affected individuals are reported upstream from this position. Currently limited available evidence suggests that loss-of-function (LoF) variants in the C-terminal and middle part of the TCEAL1 protein are causative of disease, however no such evidence is available for LoF variants located in the N-terminal domain (PMID 36368327). The variant was absent in 160185 control chromosomes (gnomAD), in addition, no other predicted LoF variants are reported, indicating that this gene is highly intolerant to LoF variants. To our knowledge, no occurrence of c.84dupT in individuals affected with Neurodevelopmental Disorder with Gait Disturbance, Dysmorphic Facies, And Behavioral Abnormalities, X-Linked and no experimental evidence demonstrating its impact on protein function have been reported. No clinical diagnostic laboratories have submitted clinical-significance assessments for this variant to ClinVar after 2014. Based on the evidence outlined above, the variant was classified as VUS-possibly pathogenic.

NM_004780.3(TCEAL1):c.84dup (p.Pro29fs)

Gene: TCEAL1 (transcription elongation factor A like 1; plus strand). Cytogenetic location: Xq22.2.
Variant type: Duplication.
Coding change: c.84dup on transcript NM_004780.3 (MANE Select); coding-DNA position 84, one base duplicated (T; older notation c.84dupT).
Protein change: p.Pro29fs; shifts the reading frame from proline 29.
Molecular consequence: frameshift variant.
Genome position (GRCh38, 1-based): chrX:103,630,000, T duplicated. VCF-style (leftmost placement, unchanged base first): chrX-103629999-C-CT. GRCh37 (hg19) VCF-style: chrX-102884927-C-CT.
Other names: c.84dup, p.Pro29fs (NM_001006639.2, NM_001006640.2); short protein forms P29fs.
Identifiers: ClinVar variation 2573533 (VCV002573533.1), dbSNP rs2521930213, ClinGen allele CA2580612451.